The following is an entry in ClinVar:

NR_003051.4(RMRP):n.120A>G

Gene: RMRP (RNA component of mitochondrial RNA processing endoribonuclease; minus strand). Cytogenetic location: 9p13.3.
Variant type: single nucleotide variant.
Genome position: GRCh38 VCF-style: chr9-35657900-T-C. GRCh37 (hg19) VCF-style: chr9-35657897-T-C.
Identifiers: ClinVar variation 2175595 (VCV002175595.18), dbSNP rs571254176, ClinGen allele CA192745623.
Genomic context (GRCh38, chr9:35,657,900, plus strand): 5'-CGCCACGCCGCTCAGCGGGATACGCTTCTTGGCGGACTTTGGAGTGGGAAGCGGGGAATG[T>C]CTACGTGCGTATGCACGTGGCACTCTCTGCCCGAGGTCCGGGGACTTTCCCCTAGGCGGA-3'

ClinVar aggregate classification (germline): Uncertain significance. Review status: criteria provided, multiple submitters, no conflicts (2 of 4 stars). 3 submissions from 3 submitters: Uncertain significance (3). Last evaluated 2024-08-01.

Conditions:
Anauxetic dysplasia. Identifiers: Orphanet 93347, MedGen C1846796, MONDO:0011773.
Metaphyseal chondrodysplasia, McKusick type (CHH). Also called: Cartilage-hair hypoplasia; Cartilage-Hair Hypoplasia (CHH). Identifiers: Orphanet 175, MedGen C0220748, MONDO:0009595, OMIM 250250.

Allele frequency attached by ClinVar (database versions not stated): gnomAD 0.00002; gnomAD exomes 0.00002.
gnomAD v4.1: 14 of 698,104 alleles (0.002%); highest among the groups gnomAD compares: Non-Finnish European, 0.0029%; no homozygotes.

Submissions (3):

CeGaT Center for Human Genetics Tuebingen
Classification: Uncertain significance. Last evaluated: 2024-08-01. Review status: criteria provided, single submitter. Criteria: CeGaT Center For Human Genetics Tuebingen Variant Classification Criteria Version 2. Collection method: clinical testing. Allele origin: germline. Affected: yes. Observed: 1 variant allele.
Comment: RMRP: PM2, PM3

Institute of Human Genetics, University of Leipzig Medical Center
Classification: Uncertain significance for Metaphyseal chondrodysplasia, McKusick type. Last evaluated: 2023-04-14. Review status: criteria provided, single submitter. Criteria: ACMG Guidelines, 2015. Collection method: clinical testing. Allele origin: unknown. Affected: yes.
Comment: _x000D_ Criteria applied: PM3, PM2_SUP

Labcorp Genetics (formerly Invitae), Labcorp
Classification: Uncertain significance for Anauxetic dysplasia. Last evaluated: 2022-03-28. Review status: criteria provided, single submitter. Criteria: Invitae Variant Classification Sherloc (09022015). Collection method: clinical testing. Allele origin: germline.
Comment: This variant occurs in the RMRP gene, which encodes an RNA molecule that does not result in a protein product. This variant is present in population databases (rs571254176, gnomAD 0.01%). This variant has been observed in individual(s) with clinical features of cartilage-hair hypoplasia (PMID: 12107819). Algorithms developed to predict the effect of sequence changes on RNA splicing suggest that this variant may create or strengthen a splice site. In summary, the available evidence is currently insufficient to determine the role of this variant in disease. Therefore, it has been classified as a Variant of Uncertain Significance.

Literature cited by the submitters: PubMed 12107819 (cited by Labcorp Genetics (formerly Invitae), Labcorp).